The following is an entry in ClinVar:

NM_001111.5(ADAR):c.1187C>T (p.Thr396Ile)

Gene: ADAR (adenosine deaminase RNA specific; minus strand). Cytogenetic location: 1q21.3.
Variant type: single nucleotide variant.
Coding change: c.1187C>T on transcript NM_001111.5 (MANE Select); coding-DNA position 1187, C replaced by T.
Protein change: p.Thr396Ile; replaces threonine 396 with isoleucine.
Molecular consequence: missense variant.
Genome position (GRCh38, 1-based): chr1:154,601,455, G>A on the plus strand (C>T on the coding strand, the complement: ADAR is on the minus strand). VCF-style: chr1-154601455-G-A. GRCh37 (hg19) VCF-style: chr1-154573931-G-A.
Other names: c.302C>T, p.Thr101Ile (NM_001025107.3, NM_001193495.2, NM_001365046.1 and 3 more transcripts); c.1214C>T, p.Thr405Ile (NM_001365045.1); c.1187C>T, p.Thr396Ile (NM_015840.4, NM_015841.4); short protein forms T101I, T396I, T405I.
Identifiers: ClinVar variation 3763047 (VCV003763047.2).

ClinVar aggregate classification (germline): Uncertain significance (1 of 4 stars; one submission).

Conditions:
Symmetrical dyschromatosis of extremities (DSH). Also called: DYSCHROMATOSIS SYMMETRICA HEREDITARIA 1; RETICULATE ACROPIGMENTATION OF DOHI; SYMMETRIC DYSCHROMATOSIS OF THE EXTREMITIES; Dyschromatosis symmetrica hereditaria. Identifiers: Orphanet 41, MedGen C0406775, MONDO:0007483, OMIM 127400.
Aicardi-Goutieres syndrome 6 (AGS6). Identifiers: Orphanet 51, MedGen C3539013, MONDO:0014007, OMIM 615010.

gnomAD v4.1: 2 of 1,614,084 alleles (0.00012%); highest among the groups gnomAD compares: South Asian, 0.0011%; no homozygotes.

Submission:

Labcorp Genetics (formerly Invitae), Labcorp
Classification: Uncertain significance for Aicardi-Goutieres syndrome 6; Symmetrical dyschromatosis of extremities. Last evaluated: 2024-09-25. Review status: criteria provided, single submitter. Criteria: Invitae Variant Classification Sherloc (09022015). Collection method: clinical testing. Allele origin: germline.
Comment: This sequence change replaces threonine, which is neutral and polar, with isoleucine, which is neutral and non-polar, at codon 396 of the ADAR protein (p.Thr396Ile). This variant is present in population databases (no rsID available, gnomAD 0.007%). This variant has not been reported in the literature in individuals affected with ADAR-related conditions. Invitae Evidence Modeling of protein sequence and biophysical properties (such as structural, functional, and spatial information, amino acid conservation, physicochemical variation, residue mobility, and thermodynamic stability) indicates that this missense variant is not expected to disrupt ADAR protein function with a negative predictive value of 80%. In summary, the available evidence is currently insufficient to determine the role of this variant in disease. Therefore, it has been classified as a Variant of Uncertain Significance.